The following is an entry in ClinVar:

NM_032730.5(RTN4IP1):c.426+1G>T

Gene: RTN4IP1 (reticulon 4 interacting protein 1; minus strand). Cytogenetic location: 6q21.
Variant type: single nucleotide variant.
Coding change: c.426+1G>T on transcript NM_032730.5 (MANE Select); the canonical splice donor site of the intron after coding-DNA position 426, G replaced by T.
Molecular consequence: splice donor variant.
Genome position (GRCh38, 1-based): chr6:106,622,817, C>A on the plus strand (G>T on the coding strand, the complement: RTN4IP1 is on the minus strand). VCF-style: chr6-106622817-C-A. GRCh37 (hg19) VCF-style: chr6-107070692-C-A.
Other names: c.126+1G>T (NM_001318746.1).
Identifiers: ClinVar variation 1503268 (VCV001503268.8), dbSNP rs1776515103, ClinGen allele CA365165665.

ClinVar aggregate classification (germline): Likely pathogenic (1 of 4 stars; one submission).

gnomAD v4.1: 3 of 1,612,030 alleles (0.00019%); highest among the groups gnomAD compares: Admixed American, 0.0017%; no homozygotes.

Submission:

Labcorp Genetics (formerly Invitae), Labcorp
Classification: Likely pathogenic. Last evaluated: 2026-01-07. Review status: criteria provided, single submitter. Criteria: Invitae Variant Classification Sherloc (09022015). Collection method: clinical testing. Allele origin: germline.
Comment: This sequence change affects a donor splice site in intron 2 of the RTN4IP1 gene. It is expected to disrupt RNA splicing. Variants that disrupt the donor or acceptor splice site typically lead to a loss of protein function (PMID: 16199547), and loss-of-function variants in RTN4IP1 are known to be pathogenic (PMID: 26593267). This variant is not present in population databases (gnomAD no frequency). This variant has not been reported in the literature in individuals affected with RTN4IP1-related conditions. ClinVar contains an entry for this variant (Variation ID: 1503268). Algorithms developed to predict the effect of sequence changes on RNA splicing suggest that this variant may disrupt the consensus splice site. In summary, the currently available evidence indicates that the variant is pathogenic, but additional data are needed to prove that conclusively. Therefore, this variant has been classified as Likely Pathogenic.

Literature cited by the submitters: PubMed 16199547; PubMed 26593267.